The following is an entry in ClinVar:

NM_004055.5(CAPN5):c.275C>T (p.Ser92Phe)

Gene: CAPN5 (calpain 5; plus strand). Cytogenetic location: 11q13.5.
Variant type: single nucleotide variant.
Coding change: c.275C>T on transcript NM_004055.5 (MANE Select); coding-DNA position 275, C replaced by T.
Protein change: p.Ser92Phe; replaces serine 92 with phenylalanine.
Molecular consequence: missense variant.
Genome position (GRCh38, 1-based): chr11:77,093,791, C>T. VCF-style: chr11-77093791-C-T. GRCh37 (hg19) VCF-style: chr11-76804837-C-T.
Other names: short protein forms S92F.
Identifiers: ClinVar variation 1011621 (VCV001011621.8), dbSNP rs1397520233, ClinGen allele CA381931538.
Genomic context (GRCh38, chr11:77,093,791, plus strand): 5'-ACCTGCACCAGGGCCAGGTGGGCAACTGCTGGTTTGTGGCAGCCTGCTCGTCACTTGCCT[C>T]CCGGGAGTCGCTGTGGCAAAAGGTGAGGCCTCGGGCAGAGTGGGCAGGGTGCTGGGGAGT-3'
Protein context (NP_004046.2, residues 82-102): WFVAACSSLA[Ser92Phe]RESLWQKVIP

ClinVar aggregate classification (germline): Uncertain significance (1 of 4 stars; one submission).

Allele frequency attached by ClinVar (database versions not stated): gnomAD exomes below 0.00001; TOPMed below 0.00001; gnomAD 0.00001.
gnomAD v4.1: 8 of 1,611,188 alleles (0.0005%); highest among the groups gnomAD compares: African/African-American, 0.0013%; no homozygotes.

Submission:

Labcorp Genetics (formerly Invitae), Labcorp
Classification: Uncertain significance. Last evaluated: 2025-06-29. Review status: criteria provided, single submitter. Criteria: Invitae Variant Classification Sherloc (09022015). Collection method: clinical testing. Allele origin: germline.
Comment: This sequence change replaces serine, which is neutral and polar, with phenylalanine, which is neutral and non-polar, at codon 92 of the CAPN5 protein (p.Ser92Phe). This variant is present in population databases (no rsID available, gnomAD 0.007%). This variant has not been reported in the literature in individuals affected with CAPN5-related conditions. ClinVar contains an entry for this variant (Variation ID: 1011621). Invitae Evidence Modeling of protein sequence and biophysical properties (such as structural, functional, and spatial information, amino acid conservation, physicochemical variation, residue mobility, and thermodynamic stability) indicates that this missense variant is not expected to disrupt CAPN5 protein function with a negative predictive value of 80%. In summary, the available evidence is currently insufficient to determine the role of this variant in disease. Therefore, it has been classified as a Variant of Uncertain Significance.